The following is an entry in ClinVar:

NM_004706.4(ARHGEF1):c.1016-2A>C

Gene: ARHGEF1 (Rho guanine nucleotide exchange factor 1; plus strand). Cytogenetic location: 19q13.2.
Variant type: single nucleotide variant.
Coding change: c.1016-2A>C on transcript NM_004706.4 (MANE Select); the canonical splice acceptor site of the intron before coding-DNA position 1016, A replaced by C.
Molecular consequence: splice acceptor variant.
Genome position (GRCh38, 1-based): chr19:41,896,375, A>C. VCF-style: chr19-41896375-A-C. GRCh37 (hg19) VCF-style: chr19-42400448-A-C.
Other names: c.1016-2A>C (NM_001396003.1, NM_001396000.1, NM_001396006.1); c.917-2A>C (NM_001396002.1, NM_198977.2, NM_001396004.1); c.1061-2A>C (NM_199002.2).
Identifiers: ClinVar variation 5040116 (VCV005040116.1).

ClinVar aggregate classification (germline): Uncertain significance (1 of 4 stars; one submission).

Submission:

CeGaT Center for Human Genetics Tuebingen
Classification: Uncertain significance. Last evaluated: 2026-07-01. Review status: criteria provided, single submitter. Criteria: CeGaT Center For Human Genetics Tuebingen Variant Classification Criteria Version 2. Collection method: clinical testing. Allele origin: germline. Affected: yes. Observed: 1 variant allele.
Comment: ARHGEF1: PM2, PVS1:Moderate